The following is an entry in ClinVar:

ClinVar aggregate classification (germline): Likely benign (1 of 4 stars; one submission).

Submission:

GeneDx
Classification: Likely benign. Last evaluated: 2017-04-27. Review status: criteria provided, single submitter. Criteria: GeneDx Variant Classification (06012015). Collection method: clinical testing. Allele origin: germline. Affected: yes.
Comment: This variant is considered likely benign or benign based on one or more of the following criteria: it is a conservative change, it occurs at a poorly conserved position in the protein, it is predicted to be benign by multiple in silico algorithms, and/or has population frequency not consistent with disease.

NM_001126121.2(SLC25A19):c.644-17C>T

Gene: SLC25A19 (solute carrier family 25 member 19; minus strand). Cytogenetic location: 17q25.1.
Variant type: single nucleotide variant.
Coding change: c.644-17C>T on transcript NM_001126121.2 (MANE Select); 17 bases into the intron before coding-DNA position 644, C replaced by T.
Molecular consequence: intron variant.
Genome position (GRCh38, 1-based): chr17:75,277,500, G>A on the plus strand (C>T on the coding strand, the complement: SLC25A19 is on the minus strand). VCF-style: chr17-75277500-G-A. GRCh37 (hg19) VCF-style: chr17-73273581-G-A.
Other names: c.644-17C>T (NM_001126122.2, NM_021734.5).
Identifiers: ClinVar variation 508981 (VCV000508981.1), dbSNP rs1555602122, ClinGen allele CA658798971.